The following is an entry in ClinVar:

ClinVar aggregate classification (germline): Uncertain significance (1 of 4 stars; one submission).

Conditions:
Muscular dystrophy-dystroglycanopathy type B6 (MDDGB6). Also called: MUSCULAR DYSTROPHY-DYSTROGLYCANOPATHY (CONGENITAL WITH IMPAIRED INTELLECTUAL DEVELOPMENT), TYPE B, 6; MUSCULAR DYSTROPHY, CONGENITAL, LARGE-RELATED; MUSCULAR DYSTROPHY, CONGENITAL, TYPE 1D. Identifiers: MedGen C1837229, MONDO:0012138, OMIM 608840.

Submission:

Labcorp Genetics (formerly Invitae), Labcorp
Classification: Uncertain significance for Muscular dystrophy-dystroglycanopathy type B6. Last evaluated: 2024-11-11. Review status: criteria provided, single submitter. Criteria: Invitae Variant Classification Sherloc (09022015). Collection method: clinical testing. Allele origin: germline.
Comment: This sequence change falls in intron 8 of the LARGE1 gene. It does not directly change the encoded amino acid sequence of the LARGE1 protein. This variant is not present in population databases (gnomAD no frequency). This variant has not been reported in the literature in individuals affected with LARGE1-related conditions. ClinVar contains an entry for this variant (Variation ID: 2022234). In summary, the available evidence is currently insufficient to determine the role of this variant in disease. Therefore, it has been classified as a Variant of Uncertain Significance.

NM_133642.5(LARGE1):c.893-9_893-8insATCCTGTGCTGCTGCCCAGGGGTG

Gene: LARGE1 (LARGE xylosyl- and glucuronyltransferase 1; minus strand). Cytogenetic location: 22q12.3.
Variant type: Insertion.
Coding change: c.893-9_893-8insATCCTGTGCTGCTGCCCAGGGGTG on transcript NM_133642.5 (MANE Select); 9 bases into the intron before coding-DNA position 893 through 8 bases into the intron before coding-DNA position 893, ATCCTGTGCTGCTGCCCAGGGGTG inserted.
Molecular consequence: intron variant.
Genome position: GRCh38 VCF-style: chr22-33384312-A-ACAGCACAGGATCACCCCTGGGCAG. GRCh37 (hg19) VCF-style: chr22-33780298-A-ACAGCACAGGATCACCCCTGGGCAG.
Other names: c.893-9_893-8insATCCTGTGCTGCTGCCCAGGGGTG (NM_001362953.2, NM_001362949.2, NM_001378627.1 and 7 more transcripts); c.290-9_290-8insATCCTGTGCTGCTGCCCAGGGGTG (NM_001378631.1, NM_001378630.1).
Identifiers: ClinVar variation 2022234 (VCV002022234.4), dbSNP rs2546923121, ClinGen allele CA2580099697.